The following is an entry in ClinVar:

ClinVar aggregate classification (germline): Likely benign (1 of 4 stars; one submission).

Allele frequency attached by ClinVar (database versions not stated): gnomAD exomes 0.00012; gnomAD 0.00048 and 0.00049; TOPMed 0.00048.

Submission:

GeneDx
Classification: Likely benign. Last evaluated: 2017-05-17. Review status: criteria provided, single submitter. Criteria: GeneDx Variant Classification (06012015). Collection method: clinical testing. Allele origin: germline. Affected: yes.
Comment: This variant is considered likely benign or benign based on one or more of the following criteria: it is a conservative change, it occurs at a poorly conserved position in the protein, it is predicted to be benign by multiple in silico algorithms, and/or has population frequency not consistent with disease.

NM_017909.4(RMND1):c.-30_-28del

Gene: RMND1 (required for meiotic nuclear division 1 homolog; minus strand). Cytogenetic location: 6q25.1.
Variant type: Deletion.
Coding change: c.-30_-28del on transcript NM_017909.4 (MANE Select); 30 bases upstream of the start codon through 28 bases upstream of the start codon, 3 bases deleted (CTC; older notation c.-30_-28delCTC).
Molecular consequence: 5 prime UTR variant.
Genome position (GRCh38, 1-based): chr6:151,452,029-151,452,031, GAG deleted on the plus strand (CTC on the coding strand, the reverse complement: RMND1 is on the minus strand). VCF-style (leftmost placement, unchanged base first): chr6-151452028-AGAG-A. GRCh37 (hg19) VCF-style: chr6-151773163-AGAG-A.
Other names: c.-22_-20del (NM_001271937.2).
Identifiers: ClinVar variation 421860 (VCV000421860.1), dbSNP rs1053585744, ClinGen allele CA16618254.